The following is an entry in ClinVar:

ClinVar aggregate classification (germline): Conflicting classifications of pathogenicity. Review status: criteria provided, conflicting classifications (1 of 4 stars). 9 submissions from 9 submitters: Uncertain significance (8); Likely benign (1). Last evaluated 2026-09-16.

Conditions:
DSP-related disorder. Also called: DSP-related disorders; DSP-related condition.
Cardiovascular phenotype. Identifiers: MedGen CN230736.
Arrhythmogenic right ventricular dysplasia 8 (ARVD8). Also called: Arrhythmogenic Right Ventricular Dysplasia/Cardiomyopathy 8; ARRHYTHMOGENIC RIGHT VENTRICULAR DYSPLASIA, FAMILIAL, 8; ARRHYTHMOGENIC RIGHT VENTRICULAR CARDIOMYOPATHY 8. Identifiers: MedGen C1843896, MONDO:0011831, OMIM 607450.
Arrhythmogenic cardiomyopathy with wooly hair and keratoderma. Also called: Dilated cardiomyopathy with woolly hair and keratoderma; Arrhythmogenic cardiomyopathy with woolly hair and keratoderma; Carvajal syndrome; PALMOPLANTAR KERATODERMA WITH LEFT VENTRICULAR CARDIOMYOPATHY AND WOOLLY HAIR. Identifiers: Orphanet 65282, MedGen C1854063, MONDO:0011581, OMIM 605676.
Cardiomyopathy (CMYO). Also called: Cardiomyopathies. Identifiers: Orphanet 167848, MedGen C0878544, MONDO:0004994, HP:0001638. Inheritance: Various modes of inheritance.
Arrhythmogenic right ventricular cardiomyopathy (ARVD). Also called: Arrhythmogenic Right Ventricular Cardiomyopathy (ARVC); Arrhythmogenic right ventricular dysplasia; Cardiomyopathy, ARVC; Arrhythmogenic cardiomyopathy. Identifiers: Orphanet 247, MedGen C0349788, MeSH D019571, MONDO:0016587. Disease mechanism: loss of function. Inheritance: Various modes of inheritance.

Allele frequency attached by ClinVar (database versions not stated): gnomAD 0.00007; TOPMed 0.00007; ESP Exome Variant Server 0.00015.
gnomAD v4.1: 59 of 1,613,936 alleles (0.0037%); highest among the groups gnomAD compares: South Asian, 0.02%; no homozygotes.

Submissions (9):

PreventionGenetics, part of Exact Sciences
Classification: Uncertain significance for DSP-related condition. Last evaluated: 2026-09-16. Review status: criteria provided, single submitter. Criteria: ACMG Guidelines, 2015. Collection method: clinical testing. Allele origin: germline.
Comment: The DSP c.4901G>A variant is predicted to result in the amino acid substitution p.Arg1634Gln. This variant was reported in an individual with arrhythmogenic right ventricular cardiomyopathy, although no additional functional or genetic evidence was provided that could help establish pathogenicity (Supplementary File 2, van Lint et al. 2019. PubMed ID: 30847666). This variant is reported in 0.026% of alleles in individuals of South Asian descent in gnomAD. At this time, the clinical significance of this variant is uncertain due to the absence of conclusive functional and genetic evidence.

Labcorp Genetics (formerly Invitae), Labcorp
Classification: Likely benign for Arrhythmogenic cardiomyopathy with wooly hair and keratoderma; Arrhythmogenic right ventricular dysplasia 8. Last evaluated: 2025-12-03. Review status: criteria provided, single submitter. Criteria: Invitae Variant Classification Sherloc (09022015). Collection method: clinical testing. Allele origin: germline.

Ambry Genetics
Classification: Uncertain significance for Cardiovascular phenotype. Last evaluated: 2025-11-20. Review status: criteria provided, single submitter. Criteria: Ambry Variant Classification Scheme 2023. Collection method: clinical testing. Allele origin: germline.

All of Us Research Program, National Institutes of Health
Classification: Uncertain significance for Arrhythmogenic cardiomyopathy with wooly hair and keratoderma. Last evaluated: 2024-09-23. Review status: criteria provided, single submitter. Criteria: ACMG Guidelines, 2015. Collection method: clinical testing. Allele origin: germline. Inheritance: Autosomal dominant inheritance. Observed: 15 variant alleles, 15 heterozygotes.
Comment: This missense variant replaces arginine with glutamine at codon 1634 of the DSP protein. Computational prediction suggests that this variant may not impact protein structure and function (internally defined REVEL score threshold <= 0.5, PMID: 27666373). To our knowledge, functional studies have not been reported for this variant. This variant has been reported in an individual affected with arrhythmogenic right ventricular cardiomyopathy (PMID: 30847666). This variant has been identified in 15/281318 chromosomes in the general population by the Genome Aggregation Database (gnomAD). The available evidence is insufficient to determine the role of this variant in disease conclusively. Therefore, this variant is classified as a Variant of Uncertain Significance.

This study involves interpretation of variants in research participants for the purpose of population health screening. Participant phenotype was not available at the time of variant classification. Additional details can be found in publication PMID: 35346344, PMCID: PMC8962531

Color Diagnostics, LLC DBA Color Health
Classification: Uncertain significance for Cardiomyopathy. Last evaluated: 2023-11-30. Review status: criteria provided, single submitter. Criteria: ACMG Guidelines, 2015. Collection method: clinical testing. Allele origin: germline.
Comment: This missense variant replaces arginine with glutamine at codon 1634 of the DSP protein. Computational prediction suggests that this variant may not impact protein structure and function (internally defined REVEL score threshold <= 0.5, PMID: 27666373). To our knowledge, functional studies have not been reported for this variant. This variant has been reported in an individual affected with arrhythmogenic right ventricular cardiomyopathy (PMID: 30847666). This variant has been identified in 15/281318 chromosomes in the general population by the Genome Aggregation Database (gnomAD). The available evidence is insufficient to determine the role of this variant in disease conclusively. Therefore, this variant is classified as a Variant of Uncertain Significance.

GeneDx
Classification: Uncertain significance. Last evaluated: 2022-06-15. Review status: criteria provided, single submitter. Criteria: GeneDx Variant Classification Process June 2021. Collection method: clinical testing. Allele origin: germline. Affected: yes.
Comment: Has not been previously published as pathogenic or benign to our knowledge; In silico analysis supports that this missense variant does not alter protein structure/function

Women's Health and Genetics/Laboratory Corporation of America, LabCorp
Classification: Uncertain significance. Last evaluated: 2017-12-26. Review status: criteria provided, single submitter. Criteria: LabCorp Variant Classification Summary - May 2015. Collection method: clinical testing. Allele origin: germline.
Comment: Variant summary: The DSP c.4901G>A (p.Arg1634Gln) variant involves the alteration of a non-conserved nucleotide. 4/5 in silico tools predict a benign outcome for this variant. This variant was found in 16/275676 control chromosomes, predominantly observed in the South Asian subpopulation at a frequency of 0.00026 (8/30744). This frequency is about 26 times the estimated maximal expected allele frequency of a pathogenic DSP variant (0.00001), suggesting this is likely a benign polymorphism found primarily in the populations of South Asian origin. In addition, multiple clinical diagnostic laboratories/reputable databases classified this variant as uncertain significance. The variant of interest has not, to our knowledge, been reported in affected individuals via publications and/or reputable databases/clinical diagnostic laboratories; nor evaluated for functional impact by in vivo/vitro studies. Taken together, this variant is classified as VUS-possibly benign, until more evidence becomes available.

Genomic Diagnostic Laboratory, Division of Genomic Diagnostics, Children's Hospital of Philadelphia
Classification: Uncertain significance for Arrhythmogenic right ventricular cardiomyopathy. Last evaluated: 2015-06-08. Review status: criteria provided, single submitter. Criteria: DGD Variant Analysis Guidelines. Collection method: clinical testing. Allele origin: unknown.

Stanford Center for Inherited Cardiovascular Disease, Stanford University
Classification: Uncertain significance. Last evaluated: 2014-04-22. Review status: criteria provided, single submitter. Criteria: ACMG Guidelines, 2015. Collection method: provider interpretation. Allele origin: germline.

Literature cited by the submitters: PubMed 30847666 (cited by All of Us Research Program, National Institutes of Health and Color Diagnostics, LLC DBA Color Health).

NM_004415.4(DSP):c.4901G>A (p.Arg1634Gln)

Gene: DSP (desmoplakin; plus strand). Cytogenetic location: 6p24.3.
Variant type: single nucleotide variant.
Coding change: c.4901G>A on transcript NM_004415.4 (MANE Select); coding-DNA position 4901, G replaced by A.
Protein change: p.Arg1634Gln; replaces arginine 1634 with glutamine.
Molecular consequence: missense variant. On other transcripts: intron variant (2).
Genome position (GRCh38, 1-based): chr6:7,581,091, G>A. VCF-style: chr6-7581091-G-A. GRCh37 (hg19) VCF-style: chr6-7581324-G-A.
Other names: p.R1634Q:CGG>CAG; c.4901G>A (LRG_423t1, NM_004415.3); c.4050+851G>A (NM_001319034.2); c.3582+1319G>A (NM_001008844.3); short protein forms R1634Q.
Identifiers: ClinVar variation 199887 (VCV000199887.24), dbSNP rs144106775, ClinGen allele CA004194.
Genomic context (GRCh38, chr6:7,581,091, plus strand): 5'-ACCTGACCCAGCAGCTGGAGCAGGCATCCATTGTTAAGAAGAGGAGTGAGGATGACCTCC[G>A]GCAGCAGAGGGACGTGCTGGATGGCCACCTGAGGGAAAAGCAGAGGACCCAGGAAGAGCT-3'
Protein context (NP_004406.2, residues 1624-1644): IVKKRSEDDL[Arg1634Gln]QQRDVLDGHL